The following is an entry in ClinVar:

NM_000051.4(ATM):c.6799A>C (p.Asn2267His)

Genes: ATM (ATM serine/threonine kinase; plus strand), C11orf65 (chromosome 11 open reading frame 65; minus strand). Cytogenetic location: 11q22.3.
Variant type: single nucleotide variant.
Coding change: c.6799A>C on transcript NM_000051.4 (MANE Select); coding-DNA position 6799, A replaced by C.
Protein change: p.Asn2267His; replaces asparagine 2267 with histidine.
Molecular consequence: missense variant. On other transcripts: intron variant (2).
Genome position (GRCh38, 1-based): chr11:108,325,536, A>C. VCF-style: chr11-108325536-A-C. GRCh37 (hg19) VCF-style: chr11-108196263-A-C.
Other names: c.6799A>C, p.Asn2267His (NM_001351834.2); c.641-16465T>G (NM_001330368.2); c.*38+9684T>G (NM_001351110.2); short protein forms N2267H.
Identifiers: ClinVar variation 3222529 (VCV003222529.1), dbSNP rs2136318953, ClinGen allele CA382555570.

ClinVar aggregate classification (germline): Uncertain significance (1 of 4 stars; one submission).

Conditions:
Hereditary cancer-predisposing syndrome. Also called: Tumor predisposition; Hereditary Cancer Syndrome; Hereditary neoplastic syndrome; Neoplastic Syndromes, Hereditary. Identifiers: Orphanet 140162, MedGen C0027672, MeSH D009386, MONDO:0015356.

Submission:

Ambry Genetics
Classification: Uncertain significance for Hereditary cancer-predisposing syndrome. Last evaluated: 2023-10-10. Review status: criteria provided, single submitter. Criteria: Ambry Variant Classification Scheme 2023. Collection method: clinical testing. Allele origin: germline.
Comment: The p.N2267H variant (also known as c.6799A>C), located in coding exon 45 of the ATM gene, results from an A to C substitution at nucleotide position 6799. The asparagine at codon 2267 is replaced by histidine, an amino acid with similar properties. This amino acid position is highly conserved in available vertebrate species. In addition, the in silico prediction for this alteration is inconclusive. Since supporting evidence is limited at this time, the clinical significance of this alteration remains unclear.